The following is an entry in ClinVar:

ClinVar aggregate classification (germline): Uncertain significance (1 of 4 stars; one submission).

Conditions:
Candidiasis, familial, 6 (CANDF6). Also called: Candidiasis, familial, 6, autosomal dominant. Identifiers: Orphanet 1334, MedGen C3151405, MONDO:0013503, OMIM 613956.

Submission:

Labcorp Genetics (formerly Invitae), Labcorp
Classification: Uncertain significance for Candidiasis, familial, 6. Last evaluated: 2025-10-29. Review status: criteria provided, single submitter. Criteria: Invitae Variant Classification Sherloc (09022015). Collection method: clinical testing. Allele origin: germline.
Comment: This sequence change disrupts the translational stop signal of the IL17F mRNA. It is expected to extend the length of the IL17F protein by 26 additional amino acid residues. This variant is not present in population databases (gnomAD no frequency). This variant has not been reported in the literature in individuals affected with IL17F-related conditions. Experimental studies and prediction algorithms are not available or were not evaluated, and the functional significance of this variant is currently unknown. In summary, the available evidence is currently insufficient to determine the role of this variant in disease. Therefore, it has been classified as a Variant of Uncertain Significance.

NM_052872.4(IL17F):c.490T>C (p.Ter164Gln)

Gene: IL17F (interleukin 17F; minus strand). Cytogenetic location: 6p12.2.
Variant type: single nucleotide variant.
Coding change: c.490T>C on transcript NM_052872.4 (MANE Select); coding-DNA position 490, T replaced by C.
Protein change: p.Ter164Gln.
Molecular consequence: stop lost.
Genome position (GRCh38, 1-based): chr6:52,236,933, A>G on the plus strand (T>C on the coding strand, the complement: IL17F is on the minus strand). VCF-style: chr6-52236933-A-G. GRCh37 (hg19) VCF-style: chr6-52101731-A-G.
Identifiers: ClinVar variation 4730023 (VCV004730023.1).